The following is an entry in ClinVar:

NM_020975.6(RET):c.1471C>G (p.Gln491Glu)

Gene: RET (ret proto-oncogene; plus strand). Cytogenetic location: 10q11.21.
Variant type: single nucleotide variant.
Coding change: c.1471C>G on transcript NM_020975.6 (MANE Select); coding-DNA position 1471, C replaced by G.
Protein change: p.Gln491Glu; replaces glutamine 491 with glutamic acid.
Molecular consequence: missense variant. On other transcripts: intron variant (15).
Genome position (GRCh38, 1-based): chr10:43,111,414, C>G. VCF-style: chr10-43111414-C-G. GRCh37 (hg19) VCF-style: chr10-43606862-C-G.
Other names: c.1471C>G, p.Gln491Glu (NM_001406760.1, NM_001406763.1, NM_001406765.1 and 4 more transcripts); c.1342C>G, p.Gln448Glu (NM_001406761.1, NM_001406762.1, NM_001406764.1 and 1 more transcripts); c.1183C>G, p.Gln395Glu (NM_001406766.1, NM_001406767.1, NM_001406770.1); c.1075C>G, p.Gln359Glu (NM_001406769.1, NM_001406772.1); c.1033C>G, p.Gln345Glu (NM_001406771.1, NM_001406773.1); c.946C>G, p.Gln316Glu (NM_001406774.1); c.745C>G, p.Gln249Glu (NM_001406775.1, NM_001406776.1, NM_001406777.1 and 1 more transcripts); c.481C>G, p.Gln161Glu (NM_001406784.1); and 5 more; short protein forms Q395E, Q237E, Q161E, Q249E, Q345E, Q448E, Q491E, Q316E.
Identifiers: ClinVar variation 3432218 (VCV003432218.1).

ClinVar aggregate classification (germline): Uncertain significance (1 of 4 stars; one submission).

Conditions:
Hereditary cancer-predisposing syndrome. Also called: Neoplastic Syndromes, Hereditary; Tumor predisposition; Hereditary Cancer Syndrome; Hereditary neoplastic syndrome. Identifiers: Orphanet 140162, MedGen C0027672, MeSH D009386, MONDO:0015356.

Submission:

Ambry Genetics
Classification: Uncertain significance for Hereditary cancer-predisposing syndrome. Last evaluated: 2024-12-02. Review status: criteria provided, single submitter. Criteria: Ambry Variant Classification Scheme 2023. Collection method: clinical testing. Allele origin: germline.
Comment: The p.Q491E variant (also known as c.1471C>G), located in coding exon 7 of the RET gene, results from a C to G substitution at nucleotide position 1471. The glutamine at codon 491 is replaced by glutamic acid, an amino acid with highly similar properties. This amino acid position is conserved. In addition, this alteration is predicted to be tolerated by in silico analysis. Based on the available evidence, the clinical significance of this variant remains unclear.